The following is an entry in ClinVar:

ClinVar aggregate classification (germline): Pathogenic (1 of 4 stars; one submission).

Conditions:
Early-infantile DEE. Also called: Ohtahara syndrome; Early infantile epileptic encephalopathy with suppression bursts; Early infantile epileptic encephalopathy. Identifiers: Orphanet 1934, MedGen C0393706, MONDO:0800491.

Submission:

Labcorp Genetics (formerly Invitae), Labcorp
Classification: Pathogenic for Early-infantile DEE. Last evaluated: 2022-10-24. Review status: criteria provided, single submitter. Criteria: Invitae Variant Classification Sherloc (09022015). Collection method: clinical testing. Allele origin: germline.
Comment: For these reasons, this variant has been classified as Pathogenic. Algorithms developed to predict the effect of sequence changes on RNA splicing suggest that this variant may create or strengthen a splice site. This variant has been observed in individual(s) with clinical features of SCN1A-related conditions (Invitae). In at least one individual the variant was observed to be de novo. This variant is not present in population databases (gnomAD no frequency). This sequence change falls in intron 20 of the SCN1A gene. It does not directly change the encoded amino acid sequence of the SCN1A protein.

NM_001165963.4(SCN1A):c.4002+2361C>G

Genes: SCN1A (sodium voltage-gated channel alpha subunit 1; minus strand), LOC102724058 (uncharacterized LOC102724058; plus strand). Cytogenetic location: 2q24.3.
Variant type: single nucleotide variant.
Coding change: c.4002+2361C>G on transcript NM_001165963.4 (MANE Select); 2361 bases into the intron after coding-DNA position 4002, C replaced by G.
Molecular consequence: intron variant.
Genome position (GRCh38, 1-based): chr2:166,007,358, G>C on the plus strand (C>G on the coding strand, the complement: SCN1A is on the minus strand). VCF-style: chr2-166007358-G-C. GRCh37 (hg19) VCF-style: chr2-166863868-G-C.
Other names: c.3969+2361C>G (NM_001353949.2, NM_001353950.2, NM_001353951.2 and 2 more transcripts); c.3918+2361C>G (NM_001353958.2, NM_001353957.2, NM_001165964.3); c.4002+2361C>G (NM_001202435.3, NM_001353948.2); c.3966+2361C>G (NM_001353955.2, NM_001353954.2); c.3915+2361C>G (NM_001353960.2); c.1560+2361C>G (NM_001353961.2).
Identifiers: ClinVar variation 2033353 (VCV002033353.4), dbSNP rs2105547851, ClinGen allele CA2580064273.